The following is an entry in ClinVar:

NM_024741.3(ZNF408):c.953C>G (p.Pro318Arg)

Gene: ZNF408 (zinc finger protein 408; plus strand). Cytogenetic location: 11p11.2.
Variant type: single nucleotide variant.
Coding change: c.953C>G on transcript NM_024741.3 (MANE Select); coding-DNA position 953, C replaced by G.
Protein change: p.Pro318Arg; replaces proline 318 with arginine.
Molecular consequence: missense variant.
Genome position (GRCh38, 1-based): chr11:46,704,653, C>G. VCF-style: chr11-46704653-C-G. GRCh37 (hg19) VCF-style: chr11-46726203-C-G.
Other names: c.929C>G, p.Pro310Arg (NM_001184751.2); short protein forms P318R, P310R.
Identifiers: ClinVar variation 1365286 (VCV001365286.7), dbSNP rs767212569, ClinGen allele CA5966459.

ClinVar aggregate classification (germline): Uncertain significance. Review status: criteria provided, multiple submitters, no conflicts (2 of 4 stars). 2 submissions from 2 submitters: Uncertain significance (2). Last evaluated 2023-05-18.

Allele frequency attached by ClinVar (database versions not stated): TOPMed below 0.00001; ExAC 0.00001; gnomAD exomes 0.00001.

Submissions (2):

Labcorp Genetics (formerly Invitae), Labcorp
Classification: Uncertain significance. Last evaluated: 2023-05-18. Review status: criteria provided, single submitter. Criteria: Invitae Variant Classification Sherloc (09022015). Collection method: clinical testing. Allele origin: germline.
Comment: This sequence change replaces proline, which is neutral and non-polar, with arginine, which is basic and polar, at codon 318 of the ZNF408 protein (p.Pro318Arg). This variant is present in population databases (rs767212569, gnomAD 0.002%). This variant has not been reported in the literature in individuals affected with ZNF408-related conditions. ClinVar contains an entry for this variant (Variation ID: 1365286). An algorithm developed to predict the effect of missense changes on protein structure and function (PolyPhen-2) suggests that this variant is likely to be disruptive. In summary, the available evidence is currently insufficient to determine the role of this variant in disease. Therefore, it has been classified as a Variant of Uncertain Significance.

Blueprint Genetics
Classification: Uncertain significance. Last evaluated: 2021-11-03. Review status: criteria provided, single submitter. Criteria: ACMG Guidelines, 2015. Collection method: clinical testing. Allele origin: germline.